The following is an entry in ClinVar:

NM_001478.5(B4GALNT1):c.683G>A (p.Arg228Gln)

Gene: B4GALNT1 (beta-1,4-N-acetyl-galactosaminyltransferase 1; minus strand). Cytogenetic location: 12q13.3.
Variant type: single nucleotide variant.
Coding change: c.683G>A on transcript NM_001478.5 (MANE Select); coding-DNA position 683, G replaced by A.
Protein change: p.Arg228Gln; replaces arginine 228 with glutamine.
Molecular consequence: missense variant.
Genome position (GRCh38, 1-based): chr12:57,630,181, C>T on the plus strand (G>A on the coding strand, the complement: B4GALNT1 is on the minus strand). VCF-style: chr12-57630181-C-T. GRCh37 (hg19) VCF-style: chr12-58023964-C-T.
Other names: c.518G>A, p.Arg173Gln (NM_001276468.2, NM_001413978.1); c.683G>A, p.Arg228Gln (NM_001276469.2, NM_001413967.1, NM_001413968.1 and 9 more transcripts); c.-305G>A (NM_001413981.1, NM_001413982.1, NM_001413983.1 and 1 more transcripts); short protein forms R173Q, R228Q.
Identifiers: ClinVar variation 2147635 (VCV002147635.4), dbSNP rs200882795, ClinGen allele CA6655706.

ClinVar aggregate classification (germline): Uncertain significance (1 of 4 stars; one submission).

Conditions:
Spastic paraplegia. Identifiers: MedGen C0037772, HP:0001258.

Allele frequency attached by ClinVar (database versions not stated): TOPMed below 0.00001; gnomAD 0.00001; gnomAD exomes 0.00001; ExAC 0.00002.
gnomAD v4.1: 25 of 1,614,088 alleles (0.0015%); highest among the groups gnomAD compares: Middle Eastern, 0.016%; no homozygotes.

Submission:

Labcorp Genetics (formerly Invitae), Labcorp
Classification: Uncertain significance for Spastic paraplegia. Last evaluated: 2024-02-24. Review status: criteria provided, single submitter. Criteria: Invitae Variant Classification Sherloc (09022015). Collection method: clinical testing. Allele origin: germline.
Comment: This sequence change replaces arginine, which is basic and polar, with glutamine, which is neutral and polar, at codon 228 of the B4GALNT1 protein (p.Arg228Gln). This variant is present in population databases (rs200882795, gnomAD 0.006%). This variant has not been reported in the literature in individuals affected with B4GALNT1-related conditions. ClinVar contains an entry for this variant (Variation ID: 2147635). Advanced modeling of protein sequence and biophysical properties (such as structural, functional, and spatial information, amino acid conservation, physicochemical variation, residue mobility, and thermodynamic stability) performed at Invitae indicates that this missense variant is not expected to disrupt B4GALNT1 protein function with a negative predictive value of 80%. In summary, the available evidence is currently insufficient to determine the role of this variant in disease. Therefore, it has been classified as a Variant of Uncertain Significance.